The following is an entry in ClinVar:

NM_001267550.2(TTN):c.12345del (p.Gln4115fs)

Gene: TTN (titin; minus strand). Cytogenetic location: 2q31.2.
Variant type: Deletion.
Coding change: c.12345del on transcript NM_001267550.2 (MANE Select); coding-DNA position 12345, one base deleted (A; older notation c.12345delA).
Protein change: p.Gln4115fs; shifts the reading frame from glutamine 4115.
Molecular consequence: frameshift variant. On other transcripts: intron variant (1).
Genome position (GRCh38, 1-based): chr2:178,740,888, T deleted on the plus strand (A on the coding strand, the reverse complement: TTN is on the minus strand); the first of 2 consecutive T bases (chr2:178,740,888-178,740,889); deleting either gives the same sequence. VCF-style (leftmost placement, unchanged base first): chr2-178740887-AT-A. GRCh37 (hg19) VCF-style: chr2-179605614-AT-A.
Other names: c.11394del, p.Gln3798fs (NM_001256850.1); c.11256del, p.Gln3752fs (NM_003319.4); c.11631del, p.Gln3877fs (NM_133432.3); c.11832del, p.Gln3944fs (NM_133437.4); c.10361-2528del (NM_133378.4); short protein forms Q3798fs, Q3944fs, Q4115fs, Q3752fs, Q3877fs.
Identifiers: ClinVar variation 2131181 (VCV002131181.4), dbSNP rs2530687887, ClinGen allele CA2580065160.
Genomic context (GRCh38, chr2:178,740,887, plus strand): 5'-CATTGATGCAAAGAAATTCCCTGGTGCTTTCAGGAGTGAGCTTGTCTTGCTCCAAAATGG[AT>A]TGCAATTCCTGAGCTCCCAAAGGAAGCTGACTGCTCAATTCATTGGCTTTAGCAATATGC-3'

ClinVar aggregate classification (germline): Likely pathogenic (1 of 4 stars; one submission).

Conditions:
Dilated cardiomyopathy 1G (CMD1G). Identifiers: Orphanet 154, MedGen C1858763, MONDO:0011400, OMIM 604145.
Autosomal recessive limb-girdle muscular dystrophy type 2J (LGMDR10). Also called: MUSCULAR DYSTROPHY, LIMB-GIRDLE, AUTOSOMAL RECESSIVE 10; Limb-girdle muscular dystrophy, type 2J. Identifiers: Orphanet 140922, MedGen C1837342, MONDO:0012127, OMIM 608807.

Submission:

Labcorp Genetics (formerly Invitae), Labcorp
Classification: Likely pathogenic for Dilated cardiomyopathy 1G; Autosomal recessive limb-girdle muscular dystrophy type 2J. Last evaluated: 2024-10-18. Review status: criteria provided, single submitter. Criteria: Invitae Variant Classification Sherloc (09022015). Collection method: clinical testing. Allele origin: germline.
Comment: This sequence change creates a premature translational stop signal (p.Gln4115Hisfs*53) in the TTN gene. While this is not anticipated to result in nonsense mediated decay, it is expected to create a truncated TTN protein. This variant is not present in population databases (gnomAD no frequency). This variant has not been reported in the literature in individuals affected with TTN-related conditions. ClinVar contains an entry for this variant (Variation ID: 2131181). This variant is located in the I band of TTN (PMID: 25589632). Truncating variants in this region have been reported in individuals affected with autosomal recessive centronuclear myopathy (PMID: 23975875, internal data). Truncating variants in this region have also been identified in individuals affected with autosomal dominant dilated cardiomyopathy and/or cardio-related conditions (PMID: 27869827, 32964742, internal data). In summary, the currently available evidence indicates that the variant is pathogenic, but additional data are needed to prove that conclusively. Therefore, this variant has been classified as Likely Pathogenic.

Literature cited by the submitters: PubMed 25589632; PubMed 23975875; PubMed 27869827; PubMed 32964742.